The following is an entry in ClinVar:

NM_004360.5(CDH1):c.2498T>C (p.Phe833Ser)

Gene: CDH1 (cadherin 1; plus strand). Cytogenetic location: 16q22.1.
Variant type: single nucleotide variant.
Coding change: c.2498T>C on transcript NM_004360.5 (MANE Select); coding-DNA position 2498, T replaced by C.
Protein change: p.Phe833Ser; replaces phenylalanine 833 with serine.
Molecular consequence: missense variant.
Genome position (GRCh38, 1-based): chr16:68,833,348, T>C. VCF-style: chr16-68833348-T-C. GRCh37 (hg19) VCF-style: chr16-68867251-T-C.
Other names: c.2315T>C, p.Phe772Ser (NM_001317184.2); c.950T>C, p.Phe317Ser (NM_001317185.2); c.533T>C, p.Phe178Ser (NM_001317186.2); short protein forms F317S, F833S, F772S, F178S.
Identifiers: ClinVar variation 1792154 (VCV001792154.5), dbSNP rs2152143939, ClinGen allele CA396472166.

ClinVar aggregate classification (germline): Uncertain significance. Review status: criteria provided, multiple submitters, no conflicts (2 of 4 stars). 3 submissions from 3 submitters: Uncertain significance (3). Last evaluated 2024-11-28.

Conditions:
Hereditary cancer-predisposing syndrome. Also called: Neoplastic Syndromes, Hereditary; Tumor predisposition; Hereditary neoplastic syndrome; Hereditary Cancer Syndrome. Identifiers: Orphanet 140162, MedGen C0027672, MeSH D009386, MONDO:0015356.
Hereditary diffuse gastric adenocarcinoma (HDGC). Also called: DIFFUSE GASTRIC AND LOBULAR BREAST CANCER SYNDROME. Identifiers: Orphanet 26106, MedGen C1708349, MONDO:0007648, OMIM 137215.
Familial cancer of breast. Also called: BREAST CANCER, FAMILIAL; hereditary breast carcinoma; Hereditary breast cancer. Identifiers: Orphanet 227535, MedGen C0346153, MONDO:0016419, OMIM 114480. Disease mechanism: loss of function.

Allele frequency attached by ClinVar (database versions not stated): gnomAD exomes below 0.00001.
gnomAD v4.1: 1 of 1,614,212 alleles (0.000062%); highest among the groups gnomAD compares: Non-Finnish European, 0.000085%; no homozygotes.

Submissions (3):

Labcorp Genetics (formerly Invitae), Labcorp
Classification: Uncertain significance for Hereditary diffuse gastric adenocarcinoma. Last evaluated: 2024-11-28. Review status: criteria provided, single submitter. Criteria: Invitae Variant Classification Sherloc (09022015). Collection method: clinical testing. Allele origin: germline.
Comment: This sequence change replaces phenylalanine, which is neutral and non-polar, with serine, which is neutral and polar, at codon 833 of the CDH1 protein (p.Phe833Ser). This variant is not present in population databases (gnomAD no frequency). This variant has not been reported in the literature in individuals affected with CDH1-related conditions. ClinVar contains an entry for this variant (Variation ID: 1792154). An algorithm developed to predict the effect of missense changes on protein structure and function (PolyPhen-2) suggests that this variant is likely to be disruptive. In summary, the available evidence is currently insufficient to determine the role of this variant in disease. Therefore, it has been classified as a Variant of Uncertain Significance.

Baylor Genetics
Classification: Uncertain significance for Familial cancer of breast. Last evaluated: 2023-11-21. Review status: criteria provided, single submitter. Criteria: ACMG Guidelines, 2015. Collection method: clinical testing. Allele origin: unknown.

Ambry Genetics
Classification: Uncertain significance for Hereditary cancer-predisposing syndrome. Last evaluated: 2020-07-24. Review status: criteria provided, single submitter. Criteria: Ambry Variant Classification Scheme 2023. Collection method: clinical testing. Allele origin: germline.
Comment: The p.F833S variant (also known as c.2498T>C), located in coding exon 16 of the CDH1 gene, results from a T to C substitution at nucleotide position 2498. The phenylalanine at codon 833 is replaced by serine, an amino acid with highly dissimilar properties. This amino acid position is highly conserved in available vertebrate species. In addition, this alteration is predicted to be deleterious by in silico analysis. Since supporting evidence is limited at this time, the clinical significance of this alteration remains unclear.